The following is an entry in ClinVar:

ClinVar aggregate classification (germline): Pathogenic (1 of 4 stars; one submission).

Conditions:
Neuromuscular disease caused by qualitative or quantitative defects of dysferlin. Also called: Qualitative or quantitative defects of dysferlin; Dysferlinopathy. Identifiers: Orphanet 207073, MedGen C2931687, MONDO:0016145.

Allele frequency attached by ClinVar (database versions not stated): TOPMed below 0.00001.

Submission:

Labcorp Genetics (formerly Invitae), Labcorp
Classification: Pathogenic for Neuromuscular disease caused by qualitative or quantitative defects of dysferlin. Last evaluated: 2022-10-24. Review status: criteria provided, single submitter. Criteria: Invitae Variant Classification Sherloc (09022015). Collection method: clinical testing. Allele origin: germline.
Comment: This variant is not present in population databases (gnomAD no frequency). This variant has not been reported in the literature in individuals affected with DYSF-related conditions. ClinVar contains an entry for this variant (Variation ID: 1446060). For these reasons, this variant has been classified as Pathogenic. This sequence change creates a premature translational stop signal (p.Arg553Valfs*74) in the DYSF gene. It is expected to result in an absent or disrupted protein product. Loss-of-function variants in DYSF are known to be pathogenic (PMID: 17698709, 20301480).

Literature cited by the submitters: PubMed 17698709; PubMed 20301480.

NM_001130987.2(DYSF):c.1710del (p.Arg571fs)

Gene: DYSF (dysferlin; plus strand). Cytogenetic location: 2p13.2.
Variant type: Deletion.
Coding change: c.1710del on transcript NM_001130987.2 (MANE Select); coding-DNA position 1710, one base deleted (T; older notation c.1710delT).
Protein change: p.Arg571fs; shifts the reading frame from arginine 571.
Molecular consequence: frameshift variant.
Genome position (GRCh38, 1-based): chr2:71,551,624, T deleted. VCF-style (leftmost placement, unchanged base first): chr2-71551623-AT-A. GRCh37 (hg19) VCF-style: chr2-71778753-AT-A.
Other names: c.1659del, p.Arg554fs (NM_001130455.2, NM_001130983.2); c.1614del, p.Arg539fs (NM_001130976.2, NM_001130977.2); c.1656del, p.Arg553fs (NM_001130978.2, NM_003494.4); c.1749del, p.Arg584fs (NM_001130979.2); c.1707del, p.Arg570fs (NM_001130980.2, NM_001130981.2); c.1752del, p.Arg585fs (NM_001130982.2); c.1617del, p.Arg540fs (NM_001130984.2, NM_001130986.2); c.1710del, p.Arg571fs (NM_001130985.2); short protein forms R540fs, R584fs, R585fs, R553fs, R539fs, R570fs, R554fs, R571fs.
Identifiers: ClinVar variation 1446060 (VCV001446060.6), dbSNP rs2090953993, ClinGen allele CA1260094987.
Genomic context (GRCh38, chr2:71,551,623, plus strand): 5'-CCCCTCTGTCTCCCCTGCTCCTTGTGACCTGACCTCCCTGGCAGGGGGAAGGTGTGGCTT[AT>A]CGTGGCCGGCTTCTGCTCTCCCTGGAGACCAAGCTGGTGGAGCACAGTGAACAGAAGGTG-3'